The following is an entry in ClinVar:

NM_001040142.2(SCN2A):c.1035-298T>A

Gene: SCN2A (sodium voltage-gated channel alpha subunit 2; plus strand). Cytogenetic location: 2q24.3.
Variant type: single nucleotide variant.
Coding change: c.1035-298T>A on transcript NM_001040142.2 (MANE Select); 298 bases into the intron before coding-DNA position 1035, T replaced by A.
Molecular consequence: intron variant.
Genome position (GRCh38, 1-based): chr2:165,313,322, T>A. VCF-style: chr2-165313322-T-A. GRCh37 (hg19) VCF-style: chr2-166169832-T-A.
Other names: c.1035-298T>A (NM_001040143.2, NM_001371246.1, NM_001371247.1 and 1 more transcripts).
Identifiers: ClinVar variation 669964 (VCV000669964.1), dbSNP rs3816001, ClinGen allele CA59730291.
Genomic context (GRCh38, chr2:165,313,322, plus strand): 5'-CACACATTTCTGCCTCAAGACATCCTCAGTGAAAATCAACTTTTTCCTTACAGACTTTTT[T>A]AACTGCCCTTAAGTCCCAGAAGATATTAATCATGATATGATTGCTTTTATATGGAGACAT-3'

ClinVar aggregate classification (germline): Benign (1 of 4 stars; one submission).

Allele frequency attached by ClinVar (database versions not stated): gnomAD 0.03371 and 0.03390; TOPMed 0.03766; 1000 Genomes Project 0.05731; 1000 Genomes Project 30x 0.05840.
gnomAD v4.1: 5,108 of 152,226 alleles (3.4%); highest among the groups gnomAD compares: East Asian, 9.7%; 203 homozygotes.

Submission:

GeneDx
Classification: Benign. Last evaluated: 2018-06-14. Review status: criteria provided, single submitter. Criteria: GeneDx Variant Classification (06012015). Collection method: clinical testing. Allele origin: germline. Affected: yes.
Comment: This variant is considered likely benign or benign based on one or more of the following criteria: it is a conservative change, it occurs at a poorly conserved position in the protein, it is predicted to be benign by multiple in silico algorithms, and/or has population frequency not consistent with disease.